The following is an entry in ClinVar:

ClinVar aggregate classification (germline): Uncertain significance (1 of 4 stars; one submission).

Submission:

Greenwood Genetic Center Diagnostic Laboratories, Greenwood Genetic Center
Classification: Uncertain significance. Last evaluated: 2026-05-28. Review status: criteria provided, single submitter. Criteria: ACMG Guidelines, 2015. Collection method: clinical testing. Allele origin: germline.
Comment: Gene of Uncertain Significance

NM_001080534.3(UNC13C):c.289G>A (p.Ala97Thr)

Gene: UNC13C (unc-13 homolog C; plus strand). Cytogenetic location: 15q21.3.
Variant type: single nucleotide variant.
Coding change: c.289G>A on transcript NM_001080534.3 (MANE Select); coding-DNA position 289, G replaced by A.
Protein change: p.Ala97Thr; replaces alanine 97 with threonine.
Molecular consequence: missense variant.
Genome position (GRCh38, 1-based): chr15:54,013,192, G>A. VCF-style: chr15-54013192-G-A. GRCh37 (hg19) VCF-style: chr15-54305389-G-A.
Other names: c.289G>A, p.Ala97Thr (NM_001329919.2); short protein forms A97T.
Identifiers: ClinVar variation 4891106 (VCV004891106.1).